The following is an entry in ClinVar:

ClinVar aggregate classification (germline): Uncertain significance (1 of 4 stars; one submission).

gnomAD v4.1: 2 of 1,611,256 alleles (0.00012%); highest among the groups gnomAD compares: Admixed American, 0.0033%; no homozygotes.

Submission:

Labcorp Genetics (formerly Invitae), Labcorp
Classification: Uncertain significance. Last evaluated: 2025-03-10. Review status: criteria provided, single submitter. Criteria: Invitae Variant Classification Sherloc (09022015). Collection method: clinical testing. Allele origin: germline.
Comment: This sequence change replaces isoleucine, which is neutral and non-polar, with arginine, which is basic and polar, at codon 5 of the RNF13 protein (p.Ile5Arg). This variant is present in population databases (no rsID available, gnomAD 0.003%). This variant has not been reported in the literature in individuals affected with RNF13-related conditions. An algorithm developed to predict the effect of missense changes on protein structure and function (PolyPhen-2) suggests that this variant is likely to be disruptive. In summary, the available evidence is currently insufficient to determine the role of this variant in disease. Therefore, it has been classified as a Variant of Uncertain Significance.

NM_183381.3(RNF13):c.14T>G (p.Ile5Arg)

Gene: RNF13 (ring finger protein 13; plus strand). Cytogenetic location: 3q25.1.
Variant type: single nucleotide variant.
Coding change: c.14T>G on transcript NM_183381.3 (MANE Select); coding-DNA position 14, T replaced by G.
Protein change: p.Ile5Arg; replaces isoleucine 5 with arginine.
Molecular consequence: missense variant. On other transcripts: 5 prime UTR variant (4), non-coding transcript variant (1), intron variant (2).
Genome position (GRCh38, 1-based): chr3:149,846,040, T>G. VCF-style: chr3-149846040-T-G. GRCh37 (hg19) VCF-style: chr3-149563827-T-G.
Other names: c.14T>G, p.Ile5Arg (NM_001378285.1, NM_001378286.1, NM_007282.4); c.-354T>G (NM_001378287.1, NM_001378288.1, NM_001378289.1 and 1 more transcripts); c.-253-6476T>G (NM_183383.2); c.-279-6476T>G (NM_001378291.1); short protein forms I5R.
Identifiers: ClinVar variation 4752538 (VCV004752538.1).